The following is an entry in ClinVar:

NM_001318852.2(MAPK8IP3):c.1234G>C (p.Asp412His)

Gene: MAPK8IP3 (mitogen-activated protein kinase 8 interacting protein 3; plus strand). Cytogenetic location: 16p13.3.
Variant type: single nucleotide variant.
Coding change: c.1234G>C on transcript NM_001318852.2 (MANE Select); coding-DNA position 1234, G replaced by C.
Protein change: p.Asp412His; replaces aspartic acid 412 with histidine.
Molecular consequence: missense variant. On other transcripts: intron variant (1).
Genome position (GRCh38, 1-based): chr16:1,758,983, G>C. VCF-style: chr16-1758983-G-C. GRCh37 (hg19) VCF-style: chr16-1808984-G-C.
Other names: c.1231G>C, p.Asp411His (NM_015133.5); c.1225+824G>C (NM_001040439.2); short protein forms D411H, D412H.
Identifiers: ClinVar variation 4998989 (VCV004998989.1).

ClinVar aggregate classification (germline): Uncertain significance (1 of 4 stars; one submission).

Conditions:
MAPK8IP3-related disorder. Also called: MAPK8IP3-related condition.

gnomAD v4.1: 1 of 1,614,152 alleles (0.000062%); highest among the groups gnomAD compares: African/African-American, 0.0013%; no homozygotes.

Submission:

PreventionGenetics, part of Exact Sciences
Classification: Uncertain significance for MAPK8IP3-related condition. Last evaluated: 2026-06-11. Review status: criteria provided, single submitter. Criteria: ACMG Guidelines, 2015. Collection method: clinical testing. Allele origin: germline.
Comment: The MAPK8IP3 c.1234G>C variant is predicted to result in the amino acid substitution p.Asp412His. To our knowledge, this variant has not been reported in the literature or in a large population database (gnomAD), indicating this variant is rare. At this time, the clinical significance of this variant is uncertain due to the absence of conclusive functional and genetic evidence.